The following is an entry in ClinVar:

NM_004304.5(ALK):c.1508T>A (p.Val503Asp)

Gene: ALK (ALK receptor tyrosine kinase; minus strand). Cytogenetic location: 2p23.2.
Variant type: single nucleotide variant.
Coding change: c.1508T>A on transcript NM_004304.5 (MANE Select); coding-DNA position 1508, T replaced by A.
Protein change: p.Val503Asp; replaces valine 503 with aspartic acid.
Molecular consequence: missense variant.
Genome position (GRCh38, 1-based): chr2:29,320,789, A>T on the plus strand (T>A on the coding strand, the complement: ALK is on the minus strand). VCF-style: chr2-29320789-A-T. GRCh37 (hg19) VCF-style: chr2-29543655-A-T.
Other names: short protein forms V503D.
Identifiers: ClinVar variation 4671739 (VCV004671739.1).

ClinVar aggregate classification (germline): Uncertain significance (1 of 4 stars; one submission).

Conditions:
Hereditary cancer-predisposing syndrome. Also called: Neoplastic Syndromes, Hereditary; Tumor predisposition; Hereditary Cancer Syndrome; Hereditary neoplastic syndrome. Identifiers: Orphanet 140162, MedGen C0027672, MeSH D009386, MONDO:0015356.

Submission:

Ambry Genetics
Classification: Uncertain significance for Hereditary cancer-predisposing syndrome. Last evaluated: 2025-09-21. Review status: criteria provided, single submitter. Criteria: Ambry Variant Classification Scheme 2023. Collection method: clinical testing. Allele origin: germline.
Comment: The p.V503D variant (also known as c.1508T>A), located in coding exon 7 of the ALK gene, results from a T to A substitution at nucleotide position 1508. The valine at codon 503 is replaced by aspartic acid, an amino acid with highly dissimilar properties. This amino acid position is conserved. In addition, this alteration is predicted to be tolerated by in silico analysis. Based on the available evidence, the clinical significance of this variant remains unclear.